The following is an entry in ClinVar:

NM_182914.3(SYNE2):c.14044C>G (p.Leu4682Val)

Gene: SYNE2 (spectrin repeat containing nuclear envelope protein 2; plus strand). Cytogenetic location: 14q23.2.
Variant type: single nucleotide variant.
Coding change: c.14044C>G on transcript NM_182914.3 (MANE Select); coding-DNA position 14044, C replaced by G.
Protein change: p.Leu4682Val; replaces leucine 4682 with valine.
Molecular consequence: missense variant.
Genome position (GRCh38, 1-based): chr14:64,129,806, C>G. VCF-style: chr14-64129806-C-G. GRCh37 (hg19) VCF-style: chr14-64596524-C-G.
Other names: c.14044C>G, p.Leu4682Val (NM_015180.6); short protein forms L4682V.
Identifiers: ClinVar variation 1371287 (VCV001371287.6), dbSNP rs184218195, ClinGen allele CA389977499.

ClinVar aggregate classification (germline): Uncertain significance (1 of 4 stars; one submission).

Conditions:
Emery-Dreifuss muscular dystrophy 5, autosomal dominant (EDMD5). Also called: EMERY-DREIFUSS MUSCULAR DYSTROPHY 5. Identifiers: Orphanet 261, MedGen C2751805, MONDO:0013072, OMIM 612999.

gnomAD v4.1: 1 of 1,614,128 alleles (0.000062%); highest among the groups gnomAD compares: Admixed American, 0.0017%; no homozygotes.

Submission:

Labcorp Genetics (formerly Invitae), Labcorp
Classification: Uncertain significance for Emery-Dreifuss muscular dystrophy 5, autosomal dominant. Last evaluated: 2022-03-18. Review status: criteria provided, single submitter. Criteria: Invitae Variant Classification Sherloc (09022015). Collection method: clinical testing. Allele origin: germline.
Comment: This sequence change replaces leucine, which is neutral and non-polar, with valine, which is neutral and non-polar, at codon 4682 of the SYNE2 protein (p.Leu4682Val). This variant is not present in population databases (gnomAD no frequency). In summary, the available evidence is currently insufficient to determine the role of this variant in disease. Therefore, it has been classified as a Variant of Uncertain Significance. Algorithms developed to predict the effect of missense changes on protein structure and function are either unavailable or do not agree on the potential impact of this missense change (SIFT: "Tolerated"; PolyPhen-2: "Probably Damaging"; Align-GVGD: "Class C0"). This variant has not been reported in the literature in individuals affected with SYNE2-related conditions.